The following is an entry in ClinVar:

ClinVar aggregate classification (germline): Likely benign. Review status: criteria provided, multiple submitters, no conflicts (2 of 4 stars). 4 submissions from 4 submitters: Likely benign (3). 1 of the submissions does not count toward it. Last evaluated 2026-01-28.

Conditions:
FOXRED1-related disorder. Also called: FOXRED1-related condition.

Allele frequency attached by ClinVar (database versions not stated): ExAC 0.00008; gnomAD 0.00011 and 0.00012; gnomAD exomes 0.00011 and 0.00019; TOPMed 0.00011.

Submissions (4):

Labcorp Genetics (formerly Invitae), Labcorp
Classification: Likely benign. Last evaluated: 2026-01-28. Review status: criteria provided, single submitter. Criteria: Invitae Variant Classification Sherloc (09022015). Collection method: clinical testing. Allele origin: germline.

Blueprint Genetics
Classification: Likely benign. Last evaluated: 2024-10-18. Review status: criteria provided, single submitter. Criteria: ACMG Guidelines, 2015. Collection method: clinical testing. Allele origin: germline.

GeneDx
Classification: Likely benign. Last evaluated: 2018-09-13. Review status: criteria provided, single submitter. Criteria: GeneDx Variant Classification Process June 2021. Collection method: clinical testing. Allele origin: germline. Affected: yes.

PreventionGenetics, part of Exact Sciences
Classification: Likely benign for FOXRED1-related condition. Last evaluated: 2020-02-17. Review status: no assertion criteria provided. Collection method: clinical testing. Allele origin: germline. Not counted in ClinVar's aggregate classification.
Comment: This variant is classified as likely benign based on ACMG/AMP sequence variant interpretation guidelines (Richards et al. 2015 PMID: 25741868, with internal and published modifications).

NM_017547.4(FOXRED1):c.448C>T (p.Leu150=)

Gene: FOXRED1 (FAD dependent oxidoreductase domain containing 1; plus strand). Cytogenetic location: 11q24.2.
Variant type: single nucleotide variant.
Coding change: c.448C>T on transcript NM_017547.4 (MANE Select); coding-DNA position 448, C replaced by T.
Protein change: p.Leu150=; no amino-acid change (leucine 150 retained).
Molecular consequence: synonymous variant. On other transcripts: non-coding transcript variant (2).
Genome position (GRCh38, 1-based): chr11:126,273,366, C>T. VCF-style: chr11-126273366-C-T. GRCh37 (hg19) VCF-style: chr11-126143261-C-T.
Identifiers: ClinVar variation 704020 (VCV000704020.11), dbSNP rs531412126, ClinGen allele CA6354092.
Genomic context (GRCh38, chr11:126,273,366, plus strand): 5'-TTTCTTTCAGGAGCTTCTGTCTGCACACAGGAGTACCTGGCCGTAGTCGATGCTCCTCCC[C>T]TGGACCTCCGGTTCAACCCCTCGGGCTACCTCTTGCTGGCTTCAGAAAAGGATGCTGCAG-3'
Protein context (NP_060017.1, residues 140-160): EYLAVVDAPP[Leu150=]DLRFNPSGYL